The following is an entry in ClinVar:

NM_005228.5(EGFR):c.1750C>T (p.His584Tyr)

Gene: EGFR (epidermal growth factor receptor; plus strand). Cytogenetic location: 7p11.2.
Variant type: single nucleotide variant.
Coding change: c.1750C>T on transcript NM_005228.5 (MANE Select); coding-DNA position 1750, C replaced by T.
Protein change: p.His584Tyr; replaces histidine 584 with tyrosine.
Molecular consequence: missense variant.
Genome position (GRCh38, 1-based): chr7:55,165,307, C>T. VCF-style: chr7-55165307-C-T. GRCh37 (hg19) VCF-style: chr7-55233000-C-T.
Other names: c.1615C>T, p.His539Tyr (NM_001346897.2, NM_001346899.2); c.1750C>T, p.His584Tyr (NM_001346898.2, NM_201282.2, NM_201284.2); c.1591C>T, p.His531Tyr (NM_001346900.2); c.949C>T, p.His317Tyr (NM_001346941.2); short protein forms H539Y, H584Y, H317Y, H531Y.
Identifiers: ClinVar variation 3644738 (VCV003644738.2).

ClinVar aggregate classification (germline): Uncertain significance (1 of 4 stars; one submission).

Conditions:
EGFR-related lung cancer (EGFR). Identifiers: MedGen CN130014.

Submission:

Labcorp Genetics (formerly Invitae), Labcorp
Classification: Uncertain significance for EGFR-related lung cancer. Last evaluated: 2024-03-06. Review status: criteria provided, single submitter. Criteria: Invitae Variant Classification Sherloc (09022015). Collection method: clinical testing. Allele origin: germline.
Comment: This sequence change replaces histidine, which is basic and polar, with tyrosine, which is neutral and polar, at codon 584 of the EGFR protein (p.His584Tyr). This variant is not present in population databases (gnomAD no frequency). This variant has not been reported in the literature in individuals affected with EGFR-related conditions. Advanced modeling of protein sequence and biophysical properties (such as structural, functional, and spatial information, amino acid conservation, physicochemical variation, residue mobility, and thermodynamic stability) performed at Invitae indicates that this missense variant is not expected to disrupt EGFR protein function with a negative predictive value of 80%. In summary, the available evidence is currently insufficient to determine the role of this variant in disease. Therefore, it has been classified as a Variant of Uncertain Significance.